The following is an entry in ClinVar:

NM_003380.5(VIM):c.518T>C (p.Val173Ala)

Genes: VIM (vimentin; plus strand), VIM-AS1 (VIM antisense RNA 1; minus strand). Cytogenetic location: 10p13.
Variant type: single nucleotide variant.
Coding change: c.518T>C on transcript NM_003380.5 (MANE Select); coding-DNA position 518, T replaced by C.
Protein change: p.Val173Ala; replaces valine 173 with alanine.
Molecular consequence: missense variant. On other transcripts: non-coding transcript variant (1).
Genome position (GRCh38, 1-based): chr10:17,229,940, T>C. VCF-style: chr10-17229940-T-C. GRCh37 (hg19) VCF-style: chr10-17271939-T-C.
Other names: short protein forms V173A.
Identifiers: ClinVar variation 2629881 (VCV002629881.1), dbSNP rs766499205, ClinGen allele CA5426413.

ClinVar aggregate classification (germline): Uncertain significance (1 of 4 stars; one submission).

Conditions:
VIM-related disorder. Also called: VIM-related condition.

Allele frequency attached by ClinVar (database versions not stated): gnomAD exomes below 0.00001; gnomAD 0.00001; TOPMed 0.00001; ExAC 0.00002.

Submission:

PreventionGenetics, part of Exact Sciences
Classification: Uncertain significance for VIM-related condition. Last evaluated: 2022-12-29. Review status: criteria provided, single submitter. Criteria: ACMG Guidelines, 2015. Collection method: clinical testing. Allele origin: germline.
Comment: The VIM c.518T>C variant is predicted to result in the amino acid substitution p.Val173Ala. To our knowledge, this variant has not been reported in the literature. This variant is reported in 0.013% of alleles in individuals of African descent in gnomAD. At this time, the clinical significance of this variant is uncertain due to the absence of conclusive functional and genetic evidence.